The following is an entry in ClinVar:

ClinVar aggregate classification (germline): Uncertain significance (1 of 4 stars; one submission).

gnomAD v4.1: 1 of 1,614,128 alleles (0.000062%); highest among the groups gnomAD compares: South Asian, 0.0011%; no homozygotes.

Submission:

Labcorp Genetics (formerly Invitae), Labcorp
Classification: Uncertain significance. Last evaluated: 2022-08-07. Review status: criteria provided, single submitter. Criteria: Invitae Variant Classification Sherloc (09022015). Collection method: clinical testing. Allele origin: germline.
Comment: This sequence change replaces proline, which is neutral and non-polar, with serine, which is neutral and polar, at codon 493 of the EIF2B4 protein (p.Pro493Ser). This variant is present in population databases (no rsID available, gnomAD 0.003%). This variant has not been reported in the literature in individuals affected with EIF2B4-related conditions. Algorithms developed to predict the effect of missense changes on protein structure and function are either unavailable or do not agree on the potential impact of this missense change (SIFT: "Tolerated"; PolyPhen-2: "Probably Damaging"; Align-GVGD: "Class C0"). In summary, the available evidence is currently insufficient to determine the role of this variant in disease. Therefore, it has been classified as a Variant of Uncertain Significance.

NM_001034116.2(EIF2B4):c.1480C>T (p.Pro494Ser)

Genes: EIF2B4 (eukaryotic translation initiation factor 2B subunit delta; minus strand), GTF3C2-AS2 (GTF3C2 antisense RNA 2; plus strand). Cytogenetic location: 2p23.3.
Variant type: single nucleotide variant.
Coding change: c.1480C>T on transcript NM_001034116.2 (MANE Select); coding-DNA position 1480, C replaced by T.
Protein change: p.Pro494Ser; replaces proline 494 with serine.
Molecular consequence: missense variant.
Genome position (GRCh38, 1-based): chr2:27,364,492, G>A on the plus strand (C>T on the coding strand, the complement: EIF2B4 is on the minus strand). VCF-style: chr2-27364492-G-A. GRCh37 (hg19) VCF-style: chr2-27587359-G-A.
Other names: c.1543C>T, p.Pro515Ser (NM_001318965.2); c.1435C>T, p.Pro479Ser (NM_001318966.2); c.1387C>T, p.Pro463Ser (NM_001318967.2); c.895C>T, p.Pro299Ser (NM_001318968.2); c.862C>T, p.Pro288Ser (NM_001318969.2); c.1477C>T, p.Pro493Ser (NM_015636.4); c.1540C>T, p.Pro514Ser (NM_172195.4); short protein forms P288S, P299S, P463S, P479S, P493S, P494S, P514S, P515S.
Identifiers: ClinVar variation 1715455 (VCV001715455.3), dbSNP rs1439905855, ClinGen allele CA346196594.